The following is an entry in ClinVar:

NM_003325.4(HIRA):c.2561+9G>A

Gene: HIRA (histone cell cycle regulator; minus strand). Cytogenetic location: 22q11.21.
Variant type: single nucleotide variant.
Coding change: c.2561+9G>A on transcript NM_003325.4 (MANE Select); 9 bases into the intron after coding-DNA position 2561, G replaced by A.
Molecular consequence: intron variant.
Genome position (GRCh38, 1-based): chr22:19,355,751, C>T on the plus strand (G>A on the coding strand, the complement: HIRA is on the minus strand). VCF-style: chr22-19355751-C-T. GRCh37 (hg19) VCF-style: chr22-19343274-C-T.
Identifiers: ClinVar variation 726549 (VCV000726549.6), dbSNP rs781825586, ClinGen allele CA10099342.

ClinVar aggregate classification (germline): Benign. Review status: criteria provided, single submitter (1 of 4 stars). 2 submissions from 2 submitters: Benign (1). 1 of the submissions does not count toward it. Last evaluated 2019-12-31.

Conditions:
HIRA-related disorder.

Allele frequency attached by ClinVar (database versions not stated): gnomAD 0.00010 and 0.00011; gnomAD exomes 0.00017 and 0.00090; TOPMed 0.00044; ExAC 0.00094.
gnomAD v4.1: 251 of 1,598,812 alleles (0.016%); highest among the groups gnomAD compares: Admixed American, 0.42%; 2 homozygotes.

Submissions (2):

Labcorp Genetics (formerly Invitae), Labcorp
Classification: Benign. Last evaluated: 2019-12-31. Review status: criteria provided, single submitter. Criteria: Invitae Variant Classification Sherloc (09022015). Collection method: clinical testing. Allele origin: germline.

PreventionGenetics, part of Exact Sciences
Classification: Benign for HIRA-related condition. Last evaluated: 2019-07-16. Review status: no assertion criteria provided. Collection method: clinical testing. Allele origin: germline. Not counted in ClinVar's aggregate classification.
Comment: This variant is classified as benign based on ACMG/AMP sequence variant interpretation guidelines (Richards et al. 2015 PMID: 25741868, with internal and published modifications).